The following is an entry in ClinVar:

ClinVar aggregate classification (germline): Likely benign (1 of 4 stars; one submission).

gnomAD v4.1: 263 of 1,527,150 alleles (0.017%); highest among the groups gnomAD compares: Non-Finnish European, 0.021%; no homozygotes.

Submission:

CeGaT Center for Human Genetics Tuebingen
Classification: Likely benign. Last evaluated: 2025-02-01. Review status: criteria provided, single submitter. Criteria: CeGaT Center For Human Genetics Tuebingen Variant Classification Criteria Version 2. Collection method: clinical testing. Allele origin: germline. Affected: yes. Observed: 1 variant allele.
Comment: DOT1L: BP4, BP7

NM_032482.3(DOT1L):c.3693C>T (p.Pro1231=)

Gene: DOT1L (DOT1 like histone lysine methyltransferase; plus strand). Cytogenetic location: 19p13.3.
Variant type: single nucleotide variant.
Coding change: c.3693C>T on transcript NM_032482.3 (MANE Select); coding-DNA position 3693, C replaced by T.
Protein change: p.Pro1231=; no amino-acid change (proline 1231 retained).
Molecular consequence: synonymous variant.
Genome position (GRCh38, 1-based): chr19:2,226,214, C>T. VCF-style: chr19-2226214-C-T. GRCh37 (hg19) VCF-style: chr19-2226213-C-T.
Other names: c.3693C>T, p.Pro1231= (NM_001411141.1).
Identifiers: ClinVar variation 3771065 (VCV003771065.13).